The following is an entry in ClinVar:

ClinVar aggregate classification (germline): Conflicting classifications of pathogenicity. Review status: criteria provided, conflicting classifications (1 of 4 stars). 2 submissions from 2 submitters: Likely pathogenic (1); Uncertain significance (1). Last evaluated 2026-08-26.

Conditions:
Inborn genetic diseases. Identifiers: MedGen C0950123, MeSH D030342.
Familial hemiplegic migraine. Identifiers: MedGen C0338484, MONDO:0000700.

Submissions (2):

Ambry Genetics
Classification: Likely pathogenic for Inborn genetic diseases. Last evaluated: 2026-08-26. Review status: criteria provided, single submitter. Criteria: Ambry Variant Classification Scheme 2023. Collection method: clinical testing. Allele origin: germline.
Comment: The c.1148G>T (p.R383L) alteration is located in exon 9 (coding exon 9) of the ATP1A2 gene. This alteration results from a G to T substitution at nucleotide position 1148, causing the arginine (R) at amino acid position 383 to be replaced by a leucine (L). for autosomal dominant ATP1A2-related neurological disorders; however, its clinical significance for autosomal recessive ATP1A2-related cortical malformation syndrome is uncertain. This variant was not reported in population-based cohorts in the Genome Aggregation Database (gnomAD). Other variant(s) at the same codon, c.1148G>A (p.R383H), have been identified in individual(s) with features consistent with ATP1A2-related neurological disorders (Jurkat-Rott, 2004; Hiekkala, 2018; external communication) and demonstrate an abnormal result in a functional assay (Tavraz, 2008). This amino acid position is highly conserved in available vertebrate species. This missense variant is located in a region that has a low rate of benign missense variation (Lek, 2016; Firth, 2009). This alteration is predicted to be deleterious by in silico analysis. Based on the available evidence, this alteration is classified as likely pathogenic.

Labcorp Genetics (formerly Invitae), Labcorp
Classification: Uncertain significance for Familial hemiplegic migraine. Last evaluated: 2025-09-09. Review status: criteria provided, single submitter. Criteria: Invitae Variant Classification Sherloc (09022015). Collection method: clinical testing. Allele origin: germline.
Comment: This sequence change replaces arginine, which is basic and polar, with leucine, which is neutral and non-polar, at codon 383 of the ATP1A2 protein (p.Arg383Leu). This variant is not present in population databases (gnomAD no frequency). This variant has not been reported in the literature in individuals affected with ATP1A2-related conditions. ClinVar contains an entry for this variant (Variation ID: 1733090). Invitae Evidence Modeling of protein sequence and biophysical properties (such as structural, functional, and spatial information, amino acid conservation, physicochemical variation, residue mobility, and thermodynamic stability) has been performed for this missense variant. However, the output from this modeling did not meet the statistical confidence thresholds required to predict the impact of this variant on ATP1A2 protein function. This variant disrupts the p.Arg383 amino acid residue in ATP1A2. Other variant(s) that disrupt this residue have been determined to be pathogenic (PMID: 15159495, 29486580, 29655203). This suggests that this residue is clinically significant, and that variants that disrupt this residue are likely to be disease-causing. In summary, the available evidence is currently insufficient to determine the role of this variant in disease. Therefore, it has been classified as a Variant of Uncertain Significance.

Literature cited by the submitters: PubMed 15159495 (cited by Ambry Genetics and Labcorp Genetics (formerly Invitae), Labcorp); PubMed 18728015 (cited by Ambry Genetics); PubMed 29486580 (cited by Ambry Genetics and Labcorp Genetics (formerly Invitae), Labcorp); PubMed 29655203 (cited by Labcorp Genetics (formerly Invitae), Labcorp).

NM_000702.4(ATP1A2):c.1148G>T (p.Arg383Leu)

Gene: ATP1A2 (ATPase Na+/K+ transporting subunit alpha 2; plus strand). Cytogenetic location: 1q23.2.
Variant type: single nucleotide variant.
Coding change: c.1148G>T on transcript NM_000702.4 (MANE Select); coding-DNA position 1148, G replaced by T.
Protein change: p.Arg383Leu; replaces arginine 383 with leucine.
Molecular consequence: missense variant.
Genome position (GRCh38, 1-based): chr1:160,128,782, G>T. VCF-style: chr1-160128782-G-T. GRCh37 (hg19) VCF-style: chr1-160098572-G-T.
Other names: short protein forms R383L.
Identifiers: ClinVar variation 1733090 (VCV001733090.5), dbSNP rs765909830, ClinGen allele CA343239562.
Genomic context (GRCh38, chr1:160,128,782, plus strand): 5'-AGACGCTGGGCTCCACGTCCACCATCTGCTCGGACAAGACGGGCACCCTCACCCAGAACC[G>T]CATGACCGTCGCCCACATGTGGTTCGACAACCAAATCCATGAGGCTGACACCACCGAAGA-3'
Protein context (NP_000693.1, residues 373-393): SDKTGTLTQN[Arg383Leu]MTVAHMWFDN